The following is an entry in ClinVar:

NM_000044.6(AR):c.1462del (p.Gln488fs)

Gene: AR (androgen receptor; plus strand). Cytogenetic location: Xq12.
Variant type: Deletion.
Coding change: c.1462del on transcript NM_000044.6 (MANE Select); coding-DNA position 1462, one base deleted (C; older notation c.1462delC).
Protein change: p.Gln488fs; shifts the reading frame from glutamine 488.
Molecular consequence: frameshift variant. On other transcripts: 5 prime UTR variant (1).
Genome position (GRCh38, 1-based): chrX:67,546,608, C deleted. VCF-style (leftmost placement, unchanged base first): chrX-67546607-TC-T. GRCh37 (hg19) VCF-style: chrX-66766449-TC-T.
Other names: c.-322del (NM_001011645.3); c.1462del, p.Gln488fs (NM_001348061.1, NM_001348063.1, NM_001348064.1); short protein forms Q488fs.
Identifiers: ClinVar variation 4784425 (VCV004784425.1).

ClinVar aggregate classification (germline): Pathogenic (1 of 4 stars; one submission).

Conditions:
Androgen resistance syndrome (AIS). Also called: ANDROGEN RECEPTOR DEFICIENCY; DIHYDROTESTOSTERONE RECEPTOR DEFICIENCY; TESTICULAR FEMINIZATION SYNDROME; DHTR DEFICIENCY; Androgen insensitivity syndrome; Androgen insensitivity. Identifiers: Orphanet 754, Orphanet 99429, MedGen C0039585, MONDO:0019154, OMIM 300068. Disease mechanism: loss of function.
Kennedy disease (SMAX1). Also called: SPINAL AND BULBAR MUSCULAR ATROPHY, X-LINKED 1; KENNEDY SPINAL AND BULBAR MUSCULAR ATROPHY; Spinal and Bulbar Muscular Atrophy. Identifiers: Orphanet 481, MedGen C1839259, MONDO:0010735, OMIM 313200.

Submission:

Labcorp Genetics (formerly Invitae), Labcorp
Classification: Pathogenic for Kennedy disease; Androgen resistance syndrome. Last evaluated: 2025-07-15. Review status: criteria provided, single submitter. Criteria: Invitae Variant Classification Sherloc (09022015). Collection method: clinical testing. Allele origin: germline.
Comment: This sequence change creates a premature translational stop signal (p.Gln488Argfs*22) in the AR gene. It is expected to result in an absent or disrupted protein product. Loss-of-function variants in AR are known to be pathogenic (PMID: 19463997). This variant is not present in population databases (gnomAD no frequency). This variant has not been reported in the literature in individuals affected with AR-related conditions. For these reasons, this variant has been classified as Pathogenic.

Literature cited by the submitters: PubMed 19463997.